The following is an entry in ClinVar:

NC_000017.10:g.(?_66303635)_(66416604_?)del

Gene: ARSG (arylsulfatase G; plus strand). Cytogenetic location: 17q24.2.
Variant type: Deletion.
Identifiers: ClinVar variation 1445708 (VCV001445708.5).

ClinVar aggregate classification (germline): Uncertain significance (1 of 4 stars; one submission).

Submission:

Labcorp Genetics (formerly Invitae), Labcorp
Classification: Uncertain significance. Last evaluated: 2022-08-09. Review status: criteria provided, single submitter. Criteria: Invitae Variant Classification Sherloc (09022015). Collection method: clinical testing. Allele origin: germline.
Comment: A gross deletion of the genomic region encompassing the full coding sequence of the ARSG gene has been identified. The current clinical and genetic evidence is not sufficient to establish whether loss-of-function variants in ARSG cause disease. The boundaries of this event are unknown as they extend beyond the assayed region for this gene and therefore may encompass additional genes. In summary, the available evidence is currently insufficient to determine the role of this variant in disease. Therefore, it has been classified as a Variant of Uncertain Significance. This variant has not been reported in the literature in individuals affected with ARSG-related conditions.